The following is an entry in ClinVar:

ClinVar aggregate classification (germline): Likely benign. Review status: criteria provided, multiple submitters, no conflicts (2 of 4 stars). 2 submissions from 2 submitters: Likely benign (2). Last evaluated 2026-01-29.

Conditions:
FDFT1-related disorder. Also called: FDFT1-related condition.

gnomAD v4.1: 336 of 1,391,008 alleles (0.024%); highest among the groups gnomAD compares: African/African-American, 0.47%; no homozygotes.

Submissions (2):

PreventionGenetics, part of Exact Sciences
Classification: Likely benign for FDFT1-related condition. Last evaluated: 2026-01-29. Review status: criteria provided, single submitter. Criteria: ACMG Guidelines, 2015. Collection method: clinical testing. Allele origin: germline.
Comment: This variant is classified as likely benign based on ACMG/AMP sequence variant interpretation guidelines (Richards et al. 2015 PMID: 25741868, with internal and published modifications).

Blueprint Genetics
Classification: Likely benign. Last evaluated: 2022-11-07. Review status: criteria provided, single submitter. Criteria: ACMG Guidelines, 2015. Collection method: clinical testing. Allele origin: germline.

NM_004462.5(FDFT1):c.100-195G>A

Genes: FDFT1 (farnesyl-diphosphate farnesyltransferase 1), LOC129999907 (ATAC-STARR-seq lymphoblastoid silent region 18943; plus strand). Cytogenetic location: 8p23.1.
Variant type: single nucleotide variant.
Coding change: c.100-195G>A on transcript NM_004462.5 (MANE Select); 195 bases into the intron before coding-DNA position 100, G replaced by A.
Molecular consequence: intron variant. On other transcripts: missense variant (1).
Genome position (GRCh38, 1-based): chr8:11,808,599, G>A. VCF-style: chr8-11808599-G-A. GRCh37 (hg19) VCF-style: chr8-11666108-G-A.
Other names: c.82G>A (NM_001287750.1); c.82G>A, p.Gly28Ser (NM_001287750.2); c.100-195G>A (NM_001287742.2, NM_001287743.2); c.-93-195G>A (NM_001287744.2, NM_001287745.2, NM_001287747.2 and 2 more transcripts); c.64+5689G>A (NM_001287756.2); short protein forms G28S.
Identifiers: ClinVar variation 4899539 (VCV004899539.2).